The following is an entry in ClinVar:

ClinVar aggregate classification (germline): Likely pathogenic (1 of 4 stars; one submission).

Submission:

Dasa
Classification: Likely pathogenic. Last evaluated: 2025-11-03. Review status: criteria provided, single submitter. Criteria: DASA Assertion Criteria. Collection method: clinical testing. Allele origin: germline.
Comment: NM_017780.4(CHD7):c.7768del (p.Asp2590Ilefs*2) is a frameshift variant in CHD7 predicted to alter the reading frame and introduce a premature termination codon and is predicted to result in an absent or altered protein product. Loss of function is an established disease mechanism for CHD7 (PMID: 21158681; PMID: 16400610; PMID: 19248844). Also, this variant is absent from population databases. Based on the currently available evidence, this variant is classified as likely pathogenic.

Literature cited by the submitters: PubMed 21158681; PubMed 16400610; PubMed 19248844.

NM_017780.4(CHD7):c.7768del (p.Asp2590fs)

Gene: CHD7 (chromodomain helicase DNA binding protein 7; plus strand). Cytogenetic location: 8q12.2.
Variant type: Deletion.
Coding change: c.7768del on transcript NM_017780.4 (MANE Select); coding-DNA position 7768, one base deleted (G; older notation c.7768delG).
Protein change: p.Asp2590fs; shifts the reading frame from aspartic acid 2590.
Molecular consequence: frameshift variant. On other transcripts: intron variant (1).
Genome position (GRCh38, 1-based): chr8:60,861,063, G deleted; the last of 2 consecutive G bases (chr8:60,861,062-60,861,063); deleting either gives the same sequence. VCF-style (leftmost placement, unchanged base first): chr8-60861061-AG-A. GRCh37 (hg19) VCF-style: chr8-61773620-AG-A.
Other names: c.1717-1166del (NM_001316690.1); short protein forms D2590fs.
Identifiers: ClinVar variation 4886439 (VCV004886439.2).